The following is an entry in ClinVar:

ClinVar aggregate classification (germline): Likely benign (0 of 4 stars; one submission).

Conditions:
CBS-related disorder. Also called: CBS-related condition.

Submission:

PreventionGenetics, part of Exact Sciences
Classification: Likely benign for CBS-related condition. Last evaluated: 2023-09-05. Review status: no assertion criteria provided. Collection method: clinical testing. Allele origin: germline.
Comment: This variant is classified as likely benign based on ACMG/AMP sequence variant interpretation guidelines (Richards et al. 2015 PMID: 25741868, with internal and published modifications).

NM_000071.3(CBS):c.1224-96G>C

Gene: CBS (cystathionine beta-synthase; minus strand). Cytogenetic location: 21q22.3.
Variant type: single nucleotide variant.
Coding change: c.1224-96G>C on transcript NM_000071.3 (MANE Select); 96 bases into the intron before coding-DNA position 1224, G replaced by C.
Molecular consequence: intron variant.
Genome position (GRCh38, 1-based): chr21:43,059,064, C>G on the plus strand (G>C on the coding strand, the complement: CBS is on the minus strand). VCF-style: chr21-43059064-C-G. GRCh37 (hg19) VCF-style: chr21-44479174-C-G.
Other names: c.1224-96G>C (NM_001320298.2, NM_001178009.3, NM_001178008.3); c.909-96G>C (NM_001321072.1).
Identifiers: ClinVar variation 3050504 (VCV003050504.2), dbSNP rs879065651, ClinGen allele CA2740094716.